The following is an entry in ClinVar:

ClinVar aggregate classification (germline): Likely benign. Review status: criteria provided, single submitter (1 of 4 stars). 2 submissions from 2 submitters: Likely benign (1). 1 of the submissions does not count toward it. Last evaluated 2026-01-20.

Conditions:
GYG1-related disorder. Also called: GYG1-related condition.
Glycogen storage disease XV (GSD15). Also called: GLYCOGENIN DEFICIENCY; GSD XV. Identifiers: Orphanet 263297, MedGen C3150754, MONDO:0013291, OMIM 613507.
Polyglucosan body myopathy type 2. Identifiers: Orphanet 456369, MedGen C4015452, MONDO:0014526, OMIM 616199.

Allele frequency attached by ClinVar (database versions not stated): gnomAD 0.00015; 1000 Genomes Project 30x 0.00016; TOPMed 0.00016; ESP Exome Variant Server 0.00023.
gnomAD v4.1: 85 of 1,611,406 alleles (0.0053%); highest among the groups gnomAD compares: East Asian, 0.045%; no homozygotes.

Submissions (2):

Labcorp Genetics (formerly Invitae), Labcorp
Classification: Likely benign for Polyglucosan body myopathy type 2; Glycogen storage disease XV. Last evaluated: 2026-01-20. Review status: criteria provided, single submitter. Criteria: Invitae Variant Classification Sherloc (09022015). Collection method: clinical testing. Allele origin: germline.

PreventionGenetics, part of Exact Sciences
Classification: Likely benign for GYG1-related condition. Last evaluated: 2020-06-10. Review status: no assertion criteria provided. Collection method: clinical testing. Allele origin: germline. Not counted in ClinVar's aggregate classification.
Comment: This variant is classified as likely benign based on ACMG/AMP sequence variant interpretation guidelines (Richards et al. 2015 PMID: 25741868, with internal and published modifications).

NM_004130.4(GYG1):c.201C>T (p.Gly67=)

Gene: GYG1 (glycogenin 1; plus strand). Cytogenetic location: 3q24.
Variant type: single nucleotide variant.
Coding change: c.201C>T on transcript NM_004130.4 (MANE Select); coding-DNA position 201, C replaced by T.
Protein change: p.Gly67=; no amino-acid change (glycine 67 retained).
Molecular consequence: synonymous variant.
Genome position (GRCh38, 1-based): chr3:148,996,359, C>T. VCF-style: chr3-148996359-C-T. GRCh37 (hg19) VCF-style: chr3-148714146-C-T.
Other names: c.201C>T, p.Gly67= (NM_001184720.2, NM_001184721.2).
Identifiers: ClinVar variation 710698 (VCV000710698.11), dbSNP rs149479866, ClinGen allele CA2658493.